The following is an entry in ClinVar:

ClinVar aggregate classification (germline): Uncertain significance (1 of 4 stars; one submission).

Submission:

Women's Health and Genetics/Laboratory Corporation of America, LabCorp
Classification: Uncertain significance. Last evaluated: 2023-08-09. Review status: criteria provided, single submitter. Criteria: LabCorp Variant Classification Summary - May 2015. Collection method: clinical testing. Allele origin: germline.
Comment: Variant summary: TRAF7 c.65C>A (p.Pro22Gln) results in a non-conservative amino acid change in the encoded protein sequence. Four of five in-silico tools predict a benign effect of the variant on protein function. The variant allele was found at a frequency of 1.6e-05 in 246958 control chromosomes (gnomAD). The available data on variant occurrences in the general population are insufficient to allow any conclusion about variant significance. To our knowledge, no occurrence of c.65C>A in individuals affected with Cardiac, Facial, And Digital Anomalies With Developmental Delay and no experimental evidence demonstrating its impact on protein function have been reported. No submitters have cited clinical-significance assessments for this variant to ClinVar after 2014. Based on the evidence outlined above, the variant was classified as uncertain significance.

NM_032271.3(TRAF7):c.65C>A (p.Pro22Gln)

Gene: TRAF7 (TNF receptor associated factor 7; plus strand). Cytogenetic location: 16p13.3.
Variant type: single nucleotide variant.
Coding change: c.65C>A on transcript NM_032271.3 (MANE Select); coding-DNA position 65, C replaced by A.
Protein change: p.Pro22Gln; replaces proline 22 with glutamine.
Molecular consequence: missense variant.
Genome position (GRCh38, 1-based): chr16:2,163,985, C>A. VCF-style: chr16-2163985-C-A. GRCh37 (hg19) VCF-style: chr16-2213986-C-A.
Other names: short protein forms P22Q.
Identifiers: ClinVar variation 2581613 (VCV002581613.1), dbSNP rs749890921, ClinGen allele CA7834341.